The following is an entry in ClinVar:

NM_000836.4(GRIN2D):c.3253G>A (p.Ala1085Thr)

Gene: GRIN2D (glutamate ionotropic receptor NMDA type subunit 2D; plus strand). Cytogenetic location: 19q13.33.
Variant type: single nucleotide variant.
Coding change: c.3253G>A on transcript NM_000836.4 (MANE Select); coding-DNA position 3253, G replaced by A.
Protein change: p.Ala1085Thr; replaces alanine 1085 with threonine.
Molecular consequence: missense variant.
Genome position (GRCh38, 1-based): chr19:48,443,179, G>A. VCF-style: chr19-48443179-G-A. GRCh37 (hg19) VCF-style: chr19-48946436-G-A.
Other names: short protein forms A1085T.
Identifiers: ClinVar variation 1342422 (VCV001342422.10), dbSNP rs1971327716, ClinGen allele CA406675231.

ClinVar aggregate classification (germline): Uncertain significance. Review status: criteria provided, multiple submitters, no conflicts (2 of 4 stars). 2 submissions from 2 submitters: Uncertain significance (2). Last evaluated 2023-01-07.

Conditions:
Developmental and epileptic encephalopathy, 46 (DEE46). Also called: GRIN2D-Related Developmental and Epileptic Encephalopathy; Epileptic encephalopathy, early infantile, 46. Identifiers: MedGen C4310687, MONDO:0014947, OMIM 617162.

Allele frequency attached by ClinVar (database versions not stated): TOPMed 0.00001; gnomAD 0.00003.
gnomAD v4.1: 37 of 1,074,080 alleles (0.0034%); highest among the groups gnomAD compares: Non-Finnish European, 0.0036%; no homozygotes.

Submissions (2):

Labcorp Genetics (formerly Invitae), Labcorp
Classification: Uncertain significance. Last evaluated: 2023-01-07. Review status: criteria provided, single submitter. Criteria: Invitae Variant Classification Sherloc (09022015). Collection method: clinical testing. Allele origin: germline.
Comment: In summary, the available evidence is currently insufficient to determine the role of this variant in disease. Therefore, it has been classified as a Variant of Uncertain Significance. Advanced modeling of protein sequence and biophysical properties (such as structural, functional, and spatial information, amino acid conservation, physicochemical variation, residue mobility, and thermodynamic stability) performed at Invitae indicates that this missense variant is not expected to disrupt GRIN2D protein function. ClinVar contains an entry for this variant (Variation ID: 1342422). This variant has not been reported in the literature in individuals affected with GRIN2D-related conditions. The frequency data for this variant in the population databases is considered unreliable, as metrics indicate insufficient coverage at this position in the gnomAD database. This sequence change replaces alanine, which is neutral and non-polar, with threonine, which is neutral and polar, at codon 1085 of the GRIN2D protein (p.Ala1085Thr).

New York Genome Center
Classification: Uncertain significance for Developmental and epileptic encephalopathy, 46. Last evaluated: 2021-04-09. Review status: criteria provided, single submitter. Criteria: NYGC Assertion Criteria 2020. Collection method: clinical testing. Allele origin: germline. Observed: 1 heterozygote. Study: CSER-NYCKidSeq.
Comment: The c.3253G>A, p.Ala1085Thr, missense variant in the GRIN2D gene identified has not been reported in the literature. This variant has three heterozygotes in the gnomAD v3 database, indicating this is a rare allele. In silico tools predict conflicting evidence of pathogenicity. Based on the available evidence, the variant c.3253G>A, p.Ala1085Thr, in the GRIN2D gene is classified as a Variant of Uncertain Significance.